The following is an entry in ClinVar:

NM_002878.4(RAD51D):c.161G>T (p.Arg54Met)

Genes: RAD51D (RAD51 paralog D; minus strand), RAD51L3-RFFL (RAD51L3-RFFL readthrough; minus strand). Cytogenetic location: 17q12.
Variant type: single nucleotide variant.
Coding change: c.161G>T on transcript NM_002878.4 (MANE Select); coding-DNA position 161, G replaced by T.
Protein change: p.Arg54Met; replaces arginine 54 with methionine.
Molecular consequence: missense variant. On other transcripts: intron variant (2).
Genome position (GRCh38, 1-based): chr17:35,118,603, C>A on the plus strand (G>T on the coding strand, the complement: RAD51D is on the minus strand). VCF-style: chr17-35118603-C-A. GRCh37 (hg19) VCF-style: chr17-33445622-C-A.
Other names: c.144+508G>T (NM_133629.3, NM_001142571.2); short protein forms R54M.
Identifiers: ClinVar variation 229750 (VCV000229750.19), dbSNP rs876658172, ClinGen allele CA10580469.

ClinVar aggregate classification (germline): Uncertain significance. Review status: criteria provided, multiple submitters, no conflicts (2 of 4 stars). 4 submissions from 4 submitters: Uncertain significance (4). Last evaluated 2024-11-03.

Conditions:
Hereditary cancer-predisposing syndrome. Also called: Hereditary neoplastic syndrome; Hereditary Cancer Syndrome; Neoplastic Syndromes, Hereditary; Tumor predisposition. Identifiers: Orphanet 140162, MedGen C0027672, MeSH D009386, MONDO:0015356.
Breast-ovarian cancer, familial, susceptibility to, 4. Identifiers: Orphanet 145, MedGen C3280345, MONDO:0013669, OMIM 614291.

Allele frequency attached by ClinVar (database versions not stated): gnomAD exomes 0.00001.
gnomAD v4.1: 6 of 1,614,230 alleles (0.00037%); highest among the groups gnomAD compares: Non-Finnish European, 0.00051%; no homozygotes.

Submissions (4):

Labcorp Genetics (formerly Invitae), Labcorp
Classification: Uncertain significance for Breast-ovarian cancer, familial, susceptibility to, 4. Last evaluated: 2024-11-03. Review status: criteria provided, single submitter. Criteria: Invitae Variant Classification Sherloc (09022015). Collection method: clinical testing. Allele origin: germline.
Comment: This sequence change replaces arginine, which is basic and polar, with methionine, which is neutral and non-polar, at codon 54 of the RAD51D protein (p.Arg54Met). This variant is present in population databases (no rsID available, gnomAD 0.0009%). This variant has not been reported in the literature in individuals affected with RAD51D-related conditions. ClinVar contains an entry for this variant (Variation ID: 229750). Invitae Evidence Modeling of protein sequence and biophysical properties (such as structural, functional, and spatial information, amino acid conservation, physicochemical variation, residue mobility, and thermodynamic stability) has been performed for this missense variant. However, the output from this modeling did not meet the statistical confidence thresholds required to predict the impact of this variant on RAD51D protein function. In summary, the available evidence is currently insufficient to determine the role of this variant in disease. Therefore, it has been classified as a Variant of Uncertain Significance.

Ambry Genetics
Classification: Uncertain significance for Hereditary cancer-predisposing syndrome. Last evaluated: 2024-07-31. Review status: criteria provided, single submitter. Criteria: Ambry Variant Classification Scheme 2023. Collection method: clinical testing. Allele origin: germline.
Comment: The p.R54M variant (also known as c.161G>T), located in coding exon 3 of the RAD51D gene, results from a G to T substitution at nucleotide position 161. The arginine at codon 54 is replaced by methionine, an amino acid with similar properties. This amino acid position is highly conserved in available vertebrate species. In addition, the in silico prediction for this alteration is inconclusive. Since supporting evidence is limited at this time, the clinical significance of this alteration remains unclear.

ARUP Laboratories, Molecular Genetics and Genomics, ARUP Laboratories
Classification: Uncertain significance for Breast-ovarian cancer, familial, susceptibility to, 4. Last evaluated: 2023-11-07. Review status: criteria provided, single submitter. Criteria: ARUP Molecular Germline Variant Investigation Process 2024. Collection method: clinical testing. Allele origin: germline.
Comment: The RAD51D c.161G>T; p.Arg54Met variant (rs876658172), to our knowledge, is not reported in the medical literature but is reported in ClinVar (Variation ID: 229750). This variant is only observed on two alleles in the Genome Aggregation Database, indicating it is not a common polymorphism. Computational analyses are uncertain whether this variant is neutral or deleterious (REVEL: 0.191). Due to limited information, the clinical significance of the p.Arg54Met variant is uncertain at this time.

Color Diagnostics, LLC DBA Color Health
Classification: Uncertain significance for Hereditary cancer-predisposing syndrome. Last evaluated: 2023-09-05. Review status: criteria provided, single submitter. Criteria: ACMG Guidelines, 2015. Collection method: clinical testing. Allele origin: germline.
Comment: This missense variant replaces arginine with methionine at codon 54 in the RAD51D protein. Computational prediction suggests that this variant may not impact protein structure and function (internally defined REVEL score threshold <= 0.5, PMID: 27666373). To our knowledge, functional studies have not been reported for this variant. This variant has not been reported in individuals affected with RAD51D-related disorders in the literature. This variant has been identified in 2/251236 chromosomes in the general population by the Genome Aggregation Database (gnomAD). The available evidence is insufficient to determine the role of this variant in disease conclusively. Therefore, this variant is classified as a Variant of Uncertain Significance.